The following is an entry in ClinVar:

ClinVar aggregate classification (germline): Likely pathogenic (1 of 4 stars; one submission).

Conditions:
Sjögren-Larsson syndrome (SLS). Also called: FALDH DEFICIENCY; FATTY ALCOHOL:NAD+ OXIDOREDUCTASE DEFICIENCY; FATTY ALDEHYDE DEHYDROGENASE DEFICIENCY; ICHTHYOSIS, SPASTIC NEUROLOGIC DISORDER, AND OLIGOPHRENIA. Identifiers: Orphanet 816, MedGen C0037231, MONDO:0010031, OMIM 270200.

Submission:

Women's Health and Genetics/Laboratory Corporation of America, LabCorp
Classification: Likely pathogenic for Sjögren-Larsson syndrome. Last evaluated: 2025-07-02. Review status: criteria provided, single submitter. Criteria: LabCorp Variant Classification Summary - May 2015. Collection method: clinical testing. Allele origin: germline.
Comment: Variant summary: ALDH3A2 c.1139G>A (p.Ser380Asn) results in a conservative amino acid change in the encoded protein sequence. Algorithms developed to predict the effect of missense changes on protein structure and function are either unavailable or do not agree on the potential impact of this missense change. The variant was absent in 251452 control chromosomes. c.1139G>A has been observed in a homozygous individual affected with Sjogren-Larsson Syndrome (Carney_2004). These data indicate that the variant may be associated with disease. At least one publication reports experimental evidence evaluating an impact on protein function. The most pronounced variant effect results in <10% of normal activity (Carney_2004). The following publication have been ascertained in the context of this evaluation (PMID: 15241804). No submitters have cited clinical-significance assessments for this variant to ClinVar. Based on the evidence outlined above, the variant was classified as likely pathogenic.

Literature cited by the submitters: PubMed 15241804.

NM_000382.3(ALDH3A2):c.1139G>A (p.Ser380Asn)

Gene: ALDH3A2 (aldehyde dehydrogenase 3 family member A2; plus strand). Cytogenetic location: 17p11.2.
Variant type: single nucleotide variant.
Coding change: c.1139G>A on transcript NM_000382.3 (MANE Select); coding-DNA position 1139, G replaced by A.
Protein change: p.Ser380Asn; replaces serine 380 with asparagine.
Molecular consequence: missense variant.
Genome position (GRCh38, 1-based): chr17:19,664,979, G>A. VCF-style: chr17-19664979-G-A. GRCh37 (hg19) VCF-style: chr17-19568292-G-A.
Other names: c.1139G>A, p.Ser380Asn (NM_001031806.2, NM_001369136.1, NM_001369137.2 and 3 more transcripts); c.560G>A, p.Ser187Asn (NM_001369148.2); short protein forms S187N, S380N.
Identifiers: ClinVar variation 3911983 (VCV003911983.2).
Genomic context (GRCh38, chr17:19,664,979, plus strand): 5'-TGACCTGGACACCTTTGGTCTGTCCTCAGCTCATCAAACGGATGATTGATGAGACATCCA[G>A]TGGAGGTGTCACAGGCAATGACGTCATTATGCACTTCACGCTCAACTCTTTCCCATTTGG-3'
Protein context (NP_000373.1, residues 370-390): LIKRMIDETS[Ser380Asn]GGVTGNDVIM